The following is an entry in ClinVar:

NM_144966.5(FREM1):c.*2229C>T

Gene: FREM1 (FRAS1 related extracellular matrix 1; minus strand). Cytogenetic location: 9p22.3.
Variant type: single nucleotide variant.
Coding change: c.*2229C>T on transcript NM_144966.5; 2229 bases downstream of the stop codon, C replaced by T.
Genome position (GRCh38, 1-based): chr9:14,735,167, G>A on the plus strand (C>T on the coding strand, the complement: FREM1 is on the minus strand). VCF-style: chr9-14735167-G-A. GRCh37 (hg19) VCF-style: chr9-14735165-G-A.
Identifiers: ClinVar variation 366062 (VCV000366062.7), dbSNP rs531022615, ClinGen allele CA10629693.

ClinVar aggregate classification (germline): Benign (1 of 4 stars; one submission).

Conditions:
Oculotrichoanal syndrome (MOTA). Also called: MARLES SYNDROME; Manitoba Oculotrichoanal (MOTA) Syndrome. Identifiers: Orphanet 2717, MedGen C1855425, MONDO:0009560, OMIM 248450.

Allele frequency attached by ClinVar (database versions not stated): gnomAD 0.00013; 1000 Genomes Project 0.00599; TOPMed 0.00006; 1000 Genomes Project 30x 0.00609.

Submission:

Illumina Laboratory Services, Illumina
Classification: Benign for Oculotrichoanal syndrome. Last evaluated: 2018-01-13. Review status: criteria provided, single submitter. Criteria: ICSL Variant Classification Criteria 13 December 2019. Collection method: clinical testing. Allele origin: germline.
Comment: This variant was observed in the ICSL laboratory as part of a predisposition screen in an ostensibly healthy population. It had not been previously curated by ICSL or reported in the Human Gene Mutation Database (HGMD: prior to June 1st, 2018), and was therefore a candidate for classification through an automated scoring system. Utilizing variant allele frequency, disease prevalence and penetrance estimates, and inheritance mode, an automated score was calculated to assess if this variant is too frequent to cause the disease. Based on the score and internal cut-off values, a variant classified as benign is not then subjected to further curation. The score for this variant resulted in a classification of benign for this disease.